The following is an entry in ClinVar:

NM_005654.6(NR2F1):c.296G>T (p.Gly99Val)

Genes: NR2F1-AS1 (NR2F1 regulatory antisense RNA 1; minus strand), NR2F1 (nuclear receptor subfamily 2 group F member 1; plus strand). Cytogenetic location: 5q15.
Variant type: single nucleotide variant.
Coding change: c.296G>T on transcript NM_005654.6 (MANE Select); coding-DNA position 296, G replaced by T.
Protein change: p.Gly99Val; replaces glycine 99 with valine.
Molecular consequence: missense variant.
Genome position (GRCh38, 1-based): chr5:93,585,319, G>T. VCF-style: chr5-93585319-G-T. GRCh37 (hg19) VCF-style: chr5-92921025-G-T.
Other names: c.296G>T (NM_005654.4); short protein forms G99V.
Identifiers: ClinVar variation 2752181 (VCV002752181.5), dbSNP rs2480802156, ClinGen allele CA360525957.

ClinVar aggregate classification (germline): Conflicting classifications of pathogenicity. Review status: criteria provided, conflicting classifications (1 of 4 stars). 3 submissions from 3 submitters: Pathogenic (1); Uncertain significance (2). Last evaluated 2025-07-21.

Conditions:
Bosch-Boonstra-Schaaf optic atrophy syndrome (BBSOAS). Also called: NR2F1-Related Neurodevelopmental Disorder. Identifiers: Orphanet 401777, MedGen C3810363, MONDO:0014320, OMIM 615722.

Submissions (3):

GeneDx
Classification: Pathogenic. Last evaluated: 2025-07-21. Review status: criteria provided, single submitter. Criteria: GeneDx Variant Classification Process June 2021. Collection method: clinical testing. Allele origin: germline. Affected: yes.
Comment: Not observed at significant frequency in large population cohorts (gnomAD); In silico analysis supports that this missense variant has a deleterious effect on protein structure/function; Has not been previously published as pathogenic or benign to our knowledge; This variant is associated with the following publications: (PMID: 26986877)

Neuberg Centre For Genomic Medicine, NCGM
Classification: Uncertain significance for Bosch-Boonstra-Schaaf optic atrophy syndrome. Last evaluated: 2024-02-01. Review status: criteria provided, single submitter. Criteria: ACMG Guidelines, 2015. Collection method: clinical testing. Allele origin: germline. Inheritance: Autosomal dominant inheritance.
Comment: The above variant in NR2F1 gene has not been reported previously as a pathogenic variant nor as a benign variant, to our knowledge.

Labcorp Genetics (formerly Invitae), Labcorp
Classification: Uncertain significance. Last evaluated: 2023-08-17. Review status: criteria provided, single submitter. Criteria: Invitae Variant Classification Sherloc (09022015). Collection method: clinical testing. Allele origin: germline.
Comment: In summary, the available evidence is currently insufficient to determine the role of this variant in disease. Therefore, it has been classified as a Variant of Uncertain Significance. Advanced modeling of protein sequence and biophysical properties (such as structural, functional, and spatial information, amino acid conservation, physicochemical variation, residue mobility, and thermodynamic stability) performed at Invitae indicates that this missense variant is expected to disrupt NR2F1 protein function. This variant has not been reported in the literature in individuals affected with NR2F1-related conditions. This variant is not present in population databases (gnomAD no frequency). This sequence change replaces glycine, which is neutral and non-polar, with valine, which is neutral and non-polar, at codon 99 of the NR2F1 protein (p.Gly99Val).